The following is an entry in ClinVar:

ClinVar aggregate classification (germline): Uncertain significance (1 of 4 stars; one submission).

Conditions:
Charcot-Marie-Tooth disease type 2. Also called: Charcot-Marie-Tooth type 2. Identifiers: Orphanet 64746, MedGen C0270914, MONDO:0018993.

Submission:

Labcorp Genetics (formerly Invitae), Labcorp
Classification: Uncertain significance for Charcot-Marie-Tooth disease type 2. Last evaluated: 2023-03-27. Review status: criteria provided, single submitter. Criteria: Invitae Variant Classification Sherloc (09022015). Collection method: clinical testing. Allele origin: germline.
Comment: This sequence change replaces serine, which is neutral and polar, with proline, which is neutral and non-polar, at codon 17 of the KIF1B protein (p.Ser17Pro). This variant is not present in population databases (gnomAD no frequency). This variant has not been reported in the literature in individuals affected with KIF1B-related conditions. Advanced modeling of protein sequence and biophysical properties (such as structural, functional, and spatial information, amino acid conservation, physicochemical variation, residue mobility, and thermodynamic stability) performed at Invitae indicates that this missense variant is not expected to disrupt KIF1B protein function. In summary, the available evidence is currently insufficient to determine the role of this variant in disease. Therefore, it has been classified as a Variant of Uncertain Significance.

NM_001365951.3(KIF1B):c.49T>C (p.Ser17Pro)

Genes: KIF1B (kinesin family member 1B; plus strand), LOC129388446 (MPRA-validated peak64 silencer; plus strand). Cytogenetic location: 1p36.22.
Variant type: single nucleotide variant.
Coding change: c.49T>C on transcript NM_001365951.3 (MANE Select); coding-DNA position 49, T replaced by C.
Protein change: p.Ser17Pro; replaces serine 17 with proline.
Molecular consequence: missense variant.
Genome position (GRCh38, 1-based): chr1:10,232,377, T>C. VCF-style: chr1-10232377-T-C. GRCh37 (hg19) VCF-style: chr1-10292435-T-C.
Other names: c.49T>C, p.Ser17Pro (NM_001365952.1, NM_001365953.1, NM_015074.3 and 1 more transcripts); short protein forms S17P.
Identifiers: ClinVar variation 2850039 (VCV002850039.3), dbSNP rs2523352722, ClinGen allele CA338316008.